The following is an entry in ClinVar:

NM_001135998.3(NDUFB11):c.256A>T (p.Asn86Tyr)

Gene: NDUFB11 (NADH:ubiquinone oxidoreductase subunit B11; minus strand). Cytogenetic location: Xp11.3.
Variant type: single nucleotide variant.
Coding change: c.256A>T on transcript NM_001135998.3 (MANE Select); coding-DNA position 256, A replaced by T.
Protein change: p.Asn86Tyr; replaces asparagine 86 with tyrosine.
Molecular consequence: missense variant.
Genome position (GRCh38, 1-based): chrX:47,142,696, T>A on the plus strand (A>T on the coding strand, the complement: NDUFB11 is on the minus strand). VCF-style: chrX-47142696-T-A. GRCh37 (hg19) VCF-style: chrX-47002095-T-A.
Other names: c.256A>T, p.Asn86Tyr (NM_019056.7); short protein forms N86Y.
Identifiers: ClinVar variation 4721209 (VCV004721209.1).
Genomic context (GRCh38, chrX:47,142,696, plus strand): 5'-CAAAGGTGCTGCCAAGGACCAGGATGATGGAGACGCCAAAGAAGAAGACAAGTCGCATGT[T>A]CCAGACGTCCAAAACGGGGTCCTTGTCATAACCATGGGAGTCTGGGTTCTGTGGAGAAAT-3'
Protein context (NP_001129470.1, residues 76-96): YDKDPVLDVW[Asn86Tyr]MRLVFFFGVS

ClinVar aggregate classification (germline): Uncertain significance (1 of 4 stars; one submission).

Submission:

Labcorp Genetics (formerly Invitae), Labcorp
Classification: Uncertain significance. Last evaluated: 2025-06-17. Review status: criteria provided, single submitter. Criteria: Invitae Variant Classification Sherloc (09022015). Collection method: clinical testing. Allele origin: germline.
Comment: This sequence change replaces asparagine, which is neutral and polar, with tyrosine, which is neutral and polar, at codon 86 of the NDUFB11 protein (p.Asn86Tyr). This variant is not present in population databases (gnomAD no frequency). This variant has not been reported in the literature in individuals affected with NDUFB11-related conditions. An algorithm developed to predict the effect of missense changes on protein structure and function (PolyPhen-2) suggests that this variant is likely to be disruptive. In summary, the available evidence is currently insufficient to determine the role of this variant in disease. Therefore, it has been classified as a Variant of Uncertain Significance.